The following is an entry in ClinVar:

NM_001142864.4(PIEZO1):c.7558A>G (p.Lys2520Glu)

Gene: PIEZO1 (piezo type mechanosensitive ion channel component 1 (Er blood group); minus strand). Cytogenetic location: 16q24.3.
Variant type: single nucleotide variant.
Coding change: c.7558A>G on transcript NM_001142864.4 (MANE Select); coding-DNA position 7558, A replaced by G.
Protein change: p.Lys2520Glu; replaces lysine 2520 with glutamic acid.
Molecular consequence: missense variant.
Genome position (GRCh38, 1-based): chr16:88,715,613, T>C on the plus strand (A>G on the coding strand, the complement: PIEZO1 is on the minus strand). VCF-style: chr16-88715613-T-C. GRCh37 (hg19) VCF-style: chr16-88782021-T-C.
Other names: p.Lys2520Glu; c.7558A>G (NM_001142864.2); short protein forms K2520E.
Identifiers: ClinVar variation 1330570 (VCV001330570.18), dbSNP rs570744198, ClinGen allele CA8231291.

ClinVar aggregate classification (germline): Conflicting classifications of pathogenicity. Review status: criteria provided, conflicting classifications (1 of 4 stars). 5 submissions from 5 submitters: Uncertain significance (3); Likely benign (2). Last evaluated 2025-07-25.

Allele frequency attached by ClinVar (database versions not stated): gnomAD 0.00010 and 0.00013; 1000 Genomes Project 30x 0.00016; 1000 Genomes Project 0.00020; gnomAD exomes 0.00028; ExAC 0.00069.
gnomAD v4.1: 234 of 1,549,598 alleles (0.015%); highest among the groups gnomAD compares: Middle Eastern, 0.63%; no homozygotes.

Submissions (5):

Mayo Clinic Laboratories, Mayo Clinic
Classification: Uncertain significance. Last evaluated: 2025-07-25. Review status: criteria provided, single submitter. Criteria: ACMG Guidelines, 2015. Collection method: clinical testing. Allele origin: germline. Observed: 4 variant alleles.
Comment: BS2, BP4

ARUP Laboratories, Molecular Genetics and Genomics, ARUP Laboratories
Classification: Uncertain significance. Last evaluated: 2025-05-02. Review status: criteria provided, single submitter. Criteria: ARUP Molecular Germline Variant Investigation Process 2024. Collection method: clinical testing. Allele origin: germline.
Comment: The PIEZO1 c.7558A>G; p.Lys2520Glu variant (rs570744198, ClinVar Variation ID 1330570) is reported in the literature in two individuals with clinical features of hemolytic anemia; both individuals however had additional variants in genes related to hemolytic anemia (Fortugno 2021, Russo 2018). This variant is found in the Middle Eastern population with an allele frequency of 0.63% (38/5986 alleles) in the Genome Aggregation Database (v4.1.0). Computational analyses are uncertain whether this variant is neutral or deleterious (REVEL: 0.231). While the high population frequency suggests that this is likely a benign variant, given the lack of functional data, the significance of this variant is uncertain at this time. References: Fortugno C et al. Hereditary red blood cell membrane defects. Detection of PIEZO1 mutations associated with SPTA1 mutations. An unusual clinical case of hereditary xerocytosis. Pediatr Hematol Oncol. 2021 Mar. PMID: 33136529. Russo R et al. Multi-gene panel testing improves diagnosis and management of patients with hereditary anemias. Am J Hematol. 2018 May. PMID: 29396846.

Labcorp Genetics (formerly Invitae), Labcorp
Classification: Likely benign. Last evaluated: 2024-10-11. Review status: criteria provided, single submitter. Criteria: Invitae Variant Classification Sherloc (09022015). Collection method: clinical testing. Allele origin: germline.

Revvity Omics, Revvity
Classification: Uncertain significance. Last evaluated: 2023-02-15. Review status: criteria provided, single submitter. Criteria: ACMG Guidelines, 2015. Collection method: clinical testing. Allele origin: germline.

Breakthrough Genomics
Classification: Likely benign. Review status: criteria provided, single submitter. Criteria: ACMG Guidelines, 2015. Collection method: not provided. Allele origin: germline. Inheritance: Autosomal recessive inheritance. Affected: yes.

Literature cited by the submitters: PubMed 29396846 (cited by Mayo Clinic Laboratories, Mayo Clinic); PubMed 33136529 (cited by Mayo Clinic Laboratories, Mayo Clinic); PubMed 34201899 (cited by Mayo Clinic Laboratories, Mayo Clinic).